The following is an entry in ClinVar:

NM_006361.6(HOXB13):c.706G>A (p.Ala236Thr)

Gene: HOXB13 (homeobox B13; minus strand). Cytogenetic location: 17q21.32.
Variant type: single nucleotide variant.
Coding change: c.706G>A on transcript NM_006361.6 (MANE Select); coding-DNA position 706, G replaced by A.
Protein change: p.Ala236Thr; replaces alanine 236 with threonine.
Molecular consequence: missense variant.
Genome position (GRCh38, 1-based): chr17:48,726,939, C>T on the plus strand (G>A on the coding strand, the complement: HOXB13 is on the minus strand). VCF-style: chr17-48726939-C-T. GRCh37 (hg19) VCF-style: chr17-46804301-C-T.
Other names: c.706G>A (NM_006361.5); short protein forms A236T.
Identifiers: ClinVar variation 1489904 (VCV001489904.9), dbSNP rs2143066759, ClinGen allele CA400106461.

ClinVar aggregate classification (germline): Uncertain significance. Review status: criteria provided, multiple submitters, no conflicts (2 of 4 stars). 2 submissions from 2 submitters: Uncertain significance (2). Last evaluated 2025-11-11.

Conditions:
Hereditary cancer-predisposing syndrome. Also called: Tumor predisposition; Hereditary neoplastic syndrome; Neoplastic Syndromes, Hereditary; Hereditary Cancer Syndrome. Identifiers: Orphanet 140162, MedGen C0027672, MeSH D009386, MONDO:0015356.

Allele frequency attached by ClinVar (database versions not stated): gnomAD exomes below 0.00001.
gnomAD v4.1: 1 of 1,613,930 alleles (0.000062%); highest among the groups gnomAD compares: Non-Finnish European, 0.000085%; no homozygotes.

Submissions (2):

Ambry Genetics
Classification: Uncertain significance for Hereditary cancer-predisposing syndrome. Last evaluated: 2025-11-11. Review status: criteria provided, single submitter. Criteria: Ambry Variant Classification Scheme 2023. Collection method: clinical testing. Allele origin: germline.
Comment: The p.A236T variant (also known as c.706G>A), located in coding exon 2 of the HOXB13 gene, results from a G to A substitution at nucleotide position 706. The alanine at codon 236 is replaced by threonine, an amino acid with similar properties. This amino acid position is conserved. In addition, the in silico prediction for this alteration is inconclusive. Based on the available evidence, the clinical significance of this variant remains unclear.

Labcorp Genetics (formerly Invitae), Labcorp
Classification: Uncertain significance. Last evaluated: 2025-05-22. Review status: criteria provided, single submitter. Criteria: Invitae Variant Classification Sherloc (09022015). Collection method: clinical testing. Allele origin: germline.
Comment: This sequence change replaces alanine, which is neutral and non-polar, with threonine, which is neutral and polar, at codon 236 of the HOXB13 protein (p.Ala236Thr). This variant is not present in population databases (gnomAD no frequency). This variant has not been reported in the literature in individuals affected with HOXB13-related conditions. ClinVar contains an entry for this variant (Variation ID: 1489904). Invitae Evidence Modeling of protein sequence and biophysical properties (such as structural, functional, and spatial information, amino acid conservation, physicochemical variation, residue mobility, and thermodynamic stability) indicates that this missense variant is not expected to disrupt HOXB13 protein function with a negative predictive value of 80%. In summary, the available evidence is currently insufficient to determine the role of this variant in disease. Therefore, it has been classified as a Variant of Uncertain Significance.